The following is an entry in ClinVar:

ClinVar aggregate classification (germline): Uncertain significance (1 of 4 stars; one submission).

Conditions:
Congenital myasthenic syndrome 11. Also called: Myasthenic syndrome, congenital, 11, associated with acetylcholine receptor deficiency; MYASTHENIC SYNDROME, CONGENITAL, Ie. Identifiers: Orphanet 590, MedGen C4225367, MONDO:0014588, OMIM 616326.
Fetal akinesia deformation sequence 1 (FADS1). Also called: Pena-Shokeir syndrome type I; Fetal akinesia sequence. Identifiers: Orphanet 994, MedGen C1276035, MONDO:0100101, OMIM 208150, HP:0001989.

Allele frequency attached by ClinVar (database versions not stated): gnomAD exomes below 0.00001.
gnomAD v4.1: 1 of 1,614,120 alleles (0.000062%); highest among the groups gnomAD compares: Non-Finnish European, 0.000085%; no homozygotes.

Submission:

Labcorp Genetics (formerly Invitae), Labcorp
Classification: Uncertain significance for Congenital myasthenic syndrome 11; Fetal akinesia deformation sequence 1. Last evaluated: 2022-08-04. Review status: criteria provided, single submitter. Criteria: Invitae Variant Classification Sherloc (09022015). Collection method: clinical testing. Allele origin: germline.
Comment: This variant is not present in population databases (gnomAD no frequency). This sequence change replaces alanine, which is neutral and non-polar, with threonine, which is neutral and polar, at codon 312 of the RAPSN protein (p.Ala312Thr). In summary, the available evidence is currently insufficient to determine the role of this variant in disease. Therefore, it has been classified as a Variant of Uncertain Significance. Advanced modeling of protein sequence and biophysical properties (such as structural, functional, and spatial information, amino acid conservation, physicochemical variation, residue mobility, and thermodynamic stability) performed at Invitae indicates that this missense variant is expected to disrupt RAPSN protein function. This variant has not been reported in the literature in individuals affected with RAPSN-related conditions.

NM_005055.5(RAPSN):c.934G>A (p.Ala312Thr)

Gene: RAPSN (receptor associated protein of the synapse; minus strand). Cytogenetic location: 11p11.2.
Variant type: single nucleotide variant.
Coding change: c.934G>A on transcript NM_005055.5 (MANE Select); coding-DNA position 934, G replaced by A.
Protein change: p.Ala312Thr; replaces alanine 312 with threonine.
Molecular consequence: missense variant. On other transcripts: intron variant (1).
Genome position (GRCh38, 1-based): chr11:47,441,191, C>T on the plus strand (G>A on the coding strand, the complement: RAPSN is on the minus strand). VCF-style: chr11-47441191-C-T. GRCh37 (hg19) VCF-style: chr11-47462742-C-T.
Other names: c.789+632G>A (NM_032645.5); short protein forms A312T.
Identifiers: ClinVar variation 1946455 (VCV001946455.5), dbSNP rs2496097143, ClinGen allele CA380328693.